The following is an entry in ClinVar:

ClinVar aggregate classification (germline): Pathogenic (1 of 4 stars; one submission).

Conditions:
Familial adenomatous polyposis 1 (FAP1). Also called: FAMILIAL ADENOMATOUS POLYPOSIS 1, ATTENUATED; POLYPOSIS, ADENOMATOUS INTESTINAL. Identifiers: MedGen C2713442, MONDO:0021056, OMIM 175100. Disease mechanism: loss of function.

Submission:

Labcorp Genetics (formerly Invitae), Labcorp
Classification: Pathogenic for Familial adenomatous polyposis 1. Last evaluated: 2021-03-19. Review status: criteria provided, single submitter. Criteria: Invitae Variant Classification Sherloc (09022015). Collection method: clinical testing. Allele origin: germline.
Comment: This sequence change creates a premature translational stop signal (p.Arg498*) in the APC gene. It is expected to result in an absent or disrupted protein product. Loss-of-function variants in APC are known to be pathogenic (PMID: 17963004, 20685668). This variant is not present in population databases (ExAC no frequency). This variant has not been reported in the literature in individuals with APC-related conditions. For these reasons, this variant has been classified as Pathogenic.

Literature cited by the submitters: PubMed 17963004; PubMed 20685668.

NM_000038.6(APC):c.1492A>T (p.Arg498Ter)

Gene: APC (APC regulator of Wnt signaling pathway; plus strand). Cytogenetic location: 5q22.2.
Variant type: single nucleotide variant.
Coding change: c.1492A>T on transcript NM_000038.6 (MANE Select); coding-DNA position 1492, A replaced by T.
Protein change: p.Arg498Ter; replaces arginine 498 with a stop codon.
Molecular consequence: nonsense.
Genome position (GRCh38, 1-based): chr5:112,827,191, A>T. VCF-style: chr5-112827191-A-T. GRCh37 (hg19) VCF-style: chr5-112162888-A-T.
Other names: c.1492A>T, p.Arg498Ter (NM_001127510.3, NM_001354895.2); c.1546A>T, p.Arg516Ter (NM_001354896.2); c.1522A>T, p.Arg508Ter (NM_001354897.2); c.1417A>T, p.Arg473Ter (NM_001354898.2); c.1408A>T, p.Arg470Ter (NM_001354899.2); c.1369A>T, p.Arg457Ter (NM_001354900.2); c.1315A>T, p.Arg439Ter (NM_001354901.2); c.1219A>T, p.Arg407Ter (NM_001354902.2); and 5 more; short protein forms R338*, R397*, R473*, R498*, R215*, R457*, R470*, R439*.
Identifiers: ClinVar variation 1451308 (VCV001451308.6), dbSNP rs2149809668, ClinGen allele CA16024573.
Genomic context (GRCh38, chr5:112,827,191, plus strand): 5'-TTATTGCAAGTGGACTGTGAAATGTATGGGCTTACTAATGACCACTACAGTATTACACTA[A>T]GACGATATGCTGGAATGGCTTTGACAAACTTGACTTTTGGAGATGTAGCCAACAAGGTAT-3'